The following is an entry in ClinVar:

ClinVar aggregate classification (germline): Uncertain significance (1 of 4 stars; one submission).

Submission:

Labcorp Genetics (formerly Invitae), Labcorp
Classification: Uncertain significance. Last evaluated: 2023-08-29. Review status: criteria provided, single submitter. Criteria: Invitae Variant Classification Sherloc (09022015). Collection method: clinical testing. Allele origin: germline.
Comment: This variant is not present in population databases (gnomAD no frequency). In summary, the available evidence is currently insufficient to determine the role of this variant in disease. Therefore, it has been classified as a Variant of Uncertain Significance. An algorithm developed to predict the effect of missense changes on protein structure and function (PolyPhen-2) suggests that this variant is likely to be disruptive. This variant has not been reported in the literature in individuals affected with VAV1-related conditions. This sequence change replaces threonine, which is neutral and polar, with isoleucine, which is neutral and non-polar, at codon 24 of the VAV1 protein (p.Thr24Ile).

NM_005428.4(VAV1):c.71C>T (p.Thr24Ile)

Gene: VAV1 (vav guanine nucleotide exchange factor 1; plus strand). Cytogenetic location: 19p13.3.
Variant type: single nucleotide variant.
Coding change: c.71C>T on transcript NM_005428.4 (MANE Select); coding-DNA position 71, C replaced by T.
Protein change: p.Thr24Ile; replaces threonine 24 with isoleucine.
Molecular consequence: missense variant.
Genome position (GRCh38, 1-based): chr19:6,772,878, C>T. VCF-style: chr19-6772878-C-T. GRCh37 (hg19) VCF-style: chr19-6772889-C-T.
Other names: c.71C>T, p.Thr24Ile (NM_001258206.2, NM_001258207.2); short protein forms T24I.
Identifiers: ClinVar variation 3001348 (VCV003001348.3), dbSNP rs1599606734, ClinGen allele CA403647882.